The following is an entry in ClinVar:

NM_174936.4(PCSK9):c.524-2A>T

Gene: PCSK9 (proprotein convertase subtilisin/kexin type 9; plus strand). Cytogenetic location: 1p32.3.
Variant type: single nucleotide variant.
Coding change: c.524-2A>T on transcript NM_174936.4 (MANE Select); the canonical splice acceptor site of the intron before coding-DNA position 524, A replaced by T.
Molecular consequence: splice acceptor variant.
Genome position (GRCh38, 1-based): chr1:55,052,276, A>T. VCF-style: chr1-55052276-A-T. GRCh37 (hg19) VCF-style: chr1-55517949-A-T.
Other names: c.149-2A>T (NM_001407246.1); c.647-2A>T (NM_001407240.1); c.524-2A>T (NM_001407242.1, NM_001407241.1, NM_001407244.1 and 1 more transcripts); c.467-2A>T (NM_001407243.1); c.332-2A>T (NM_001407245.1).
Identifiers: ClinVar variation 1332146 (VCV001332146.2), dbSNP rs2100296311, ClinGen allele CA340471128.

ClinVar aggregate classification (germline): Uncertain significance (1 of 4 stars; one submission).

Conditions:
Familial hypercholesterolemia. Also called: Familial hypercholesterolaemia. Identifiers: MedGen C0020445, MONDO:0005439.

Submission:

Color Diagnostics, LLC DBA Color Health
Classification: Uncertain significance for Familial hypercholesterolemia. Last evaluated: 2021-03-02. Review status: criteria provided, single submitter. Criteria: ACMG Guidelines, 2015. Collection method: clinical testing. Allele origin: germline.
Comment: This variant causes an A to T nucleotide substitution at the -2 position of intron 3 of the PCSK9 gene. To our knowledge, functional studies have not been reported for this variant. This variant has not been reported in individuals affected with familial hypercholesterolemia in the literature. This variant has not been identified in the general population by the Genome Aggregation Database (gnomAD). The available evidence is insufficient to determine the role of this variant in disease conclusively. Therefore, this variant is classified as a Variant of Uncertain Significance.